The following is an entry in ClinVar:

NM_004560.4(ROR2):c.722C>A (p.Ala241Glu)

Gene: ROR2 (receptor tyrosine kinase like orphan receptor 2; minus strand). Cytogenetic location: 9q22.31.
Variant type: single nucleotide variant.
Coding change: c.722C>A on transcript NM_004560.4 (MANE Select); coding-DNA position 722, C replaced by A.
Protein change: p.Ala241Glu; replaces alanine 241 with glutamic acid.
Molecular consequence: missense variant.
Genome position (GRCh38, 1-based): chr9:91,733,337, G>T on the plus strand (C>A on the coding strand, the complement: ROR2 is on the minus strand). VCF-style: chr9-91733337-G-T. GRCh37 (hg19) VCF-style: chr9-94495619-G-T.
Other names: c.722C>A, p.Ala241Glu (NM_001318204.2); short protein forms A241E.
Identifiers: ClinVar variation 913333 (VCV000913333.6), dbSNP rs771096772, ClinGen allele CA5120912.

ClinVar aggregate classification (germline): Conflicting classifications of pathogenicity. Review status: criteria provided, conflicting classifications (1 of 4 stars). 4 submissions from 3 submitters: Uncertain significance (3); Likely benign (1). Last evaluated 2024-08-05.

Conditions:
Brachydactyly type B1 (BDB1). Identifiers: Orphanet 572385, Orphanet 93383, MedGen C1862112, MONDO:0007220, OMIM 113000.
Inborn genetic diseases. Identifiers: MedGen C0950123, MeSH D030342.
Autosomal recessive Robinow syndrome (RRS1). Also called: COSTOVERTEBRAL SEGMENTATION DEFECT WITH MESOMELIA; COVESDEM SYNDROME; ROR2-Related Robinow Syndrome; ROBINOW SYNDROME, AUTOSOMAL RECESSIVE 1. Identifiers: Orphanet 1507, Orphanet 97360, MedGen C5399974, MONDO:0009999, OMIM 268310.

Allele frequency attached by ClinVar (database versions not stated): TOPMed 0.00001.
gnomAD v4.1: 41 of 1,612,238 alleles (0.0025%); highest among the groups gnomAD compares: Non-Finnish European, 0.00051%; no homozygotes.

Submissions (4):

Ambry Genetics
Classification: Uncertain significance for Inborn genetic diseases. Last evaluated: 2024-08-05. Review status: criteria provided, single submitter. Criteria: Ambry Variant Classification Scheme 2023. Collection method: clinical testing. Allele origin: germline.

GeneDx
Classification: Uncertain significance. Last evaluated: 2019-09-25. Review status: criteria provided, single submitter. Criteria: GeneDx Variant Classification Process June 2021. Collection method: clinical testing. Allele origin: germline. Affected: yes.
Comment: In silico analysis, which includes protein predictors and evolutionary conservation, supports that this variant does not alter protein structure/function; Has not been previously published as pathogenic or benign to our knowledge

Illumina Laboratory Services, Illumina
Classification: Likely benign for Brachydactyly type B1. Last evaluated: 2018-01-12. Review status: criteria provided, single submitter. Criteria: ICSL Variant Classification Criteria 13 December 2019. Collection method: clinical testing. Allele origin: germline.
Comment: This variant was observed in the ICSL laboratory as part of a predisposition screen in an ostensibly healthy population. It had not been previously curated by ICSL or reported in the Human Gene Mutation Database (HGMD: prior to June 1st, 2018), and was therefore a candidate for classification through an automated scoring system. Utilizing variant allele frequency, disease prevalence and penetrance estimates, and inheritance mode, an automated score was calculated to assess if this variant is too frequent to cause the disease. Based on the score and internal cut-off values, a variant classified as likely benign is not then subjected to further curation. The score for this variant resulted in a classification of likely benign for this disease.

Illumina Laboratory Services, Illumina
Classification: Uncertain significance for Autosomal recessive Robinow syndrome. Last evaluated: 2018-01-12. Review status: criteria provided, single submitter. Criteria: ICSL Variant Classification Criteria 13 December 2019. Collection method: clinical testing. Allele origin: germline.